The following is an entry in ClinVar:

ClinVar aggregate classification (germline): Uncertain significance (1 of 4 stars; one submission).

Submission:

Labcorp Genetics (formerly Invitae), Labcorp
Classification: Uncertain significance. Last evaluated: 2022-08-03. Review status: criteria provided, single submitter. Criteria: Invitae Variant Classification Sherloc (09022015). Collection method: clinical testing. Allele origin: germline.
Comment: This sequence change replaces arginine, which is basic and polar, with glycine, which is neutral and non-polar, at codon 815 of the TBCD protein (p.Arg815Gly). This variant is not present in population databases (gnomAD no frequency). This variant has not been reported in the literature in individuals affected with TBCD-related conditions. Algorithms developed to predict the effect of missense changes on protein structure and function (SIFT, PolyPhen-2, Align-GVGD) all suggest that this variant is likely to be disruptive. In summary, the available evidence is currently insufficient to determine the role of this variant in disease. Therefore, it has been classified as a Variant of Uncertain Significance.

NM_005993.5(TBCD):c.2443A>G (p.Arg815Gly)

Gene: TBCD (tubulin folding cofactor D). Cytogenetic location: 17q25.3.
Variant type: single nucleotide variant.
Coding change: c.2443A>G on transcript NM_005993.5 (MANE Select); coding-DNA position 2443, A replaced by G.
Protein change: p.Arg815Gly; replaces arginine 815 with glycine.
Molecular consequence: missense variant.
Genome position (GRCh38, 1-based): chr17:82,926,463, A>G. VCF-style: chr17-82926463-A-G. GRCh37 (hg19) VCF-style: chr17-80884339-A-G.
Other names: c.2392A>G, p.Arg798Gly (NM_001411101.1); c.2362A>G, p.Arg788Gly (NM_001411102.1); short protein forms R788G, R798G, R815G.
Identifiers: ClinVar variation 1714864 (VCV001714864.5), dbSNP rs2510724201, ClinGen allele CA401633928.